The following is an entry in ClinVar:

ClinVar aggregate classification (germline): Uncertain significance (1 of 4 stars; one submission).

Allele frequency attached by ClinVar (database versions not stated): gnomAD exomes below 0.00001 and 0.00001; TOPMed below 0.00001.
gnomAD v4.1: 4 of 1,613,160 alleles (0.00025%); highest among the groups gnomAD compares: Admixed American, 0.0033%; no homozygotes.

Submission:

Labcorp Genetics (formerly Invitae), Labcorp
Classification: Uncertain significance. Last evaluated: 2022-03-10. Review status: criteria provided, single submitter. Criteria: Invitae Variant Classification Sherloc (09022015). Collection method: clinical testing. Allele origin: germline.
Comment: This sequence change replaces valine, which is neutral and non-polar, with phenylalanine, which is neutral and non-polar, at codon 267 of the USH2A protein (p.Val267Phe). This variant is present in population databases (no rsID available, gnomAD 0.006%). This variant has not been reported in the literature in individuals affected with USH2A-related conditions. Algorithms developed to predict the effect of missense changes on protein structure and function (SIFT, PolyPhen-2, Align-GVGD) all suggest that this variant is likely to be disruptive. In summary, the available evidence is currently insufficient to determine the role of this variant in disease. Therefore, it has been classified as a Variant of Uncertain Significance.

NM_206933.4(USH2A):c.799G>T (p.Val267Phe)

Gene: USH2A (usherin; minus strand). Cytogenetic location: 1q41.
Variant type: single nucleotide variant.
Coding change: c.799G>T on transcript NM_206933.4 (MANE Select); coding-DNA position 799, G replaced by T.
Protein change: p.Val267Phe; replaces valine 267 with phenylalanine.
Molecular consequence: missense variant.
Genome position (GRCh38, 1-based): chr1:216,327,640, C>A on the plus strand (G>T on the coding strand, the complement: USH2A is on the minus strand). VCF-style: chr1-216327640-C-A. GRCh37 (hg19) VCF-style: chr1-216500982-C-A.
Other names: c.799G>T, p.Val267Phe (NM_007123.6); short protein forms V267F.
Identifiers: ClinVar variation 1504675 (VCV001504675.5), dbSNP rs1240261228, ClinGen allele CA344912904.